The following is an entry in ClinVar:

NM_001378457.1(DMXL2):c.7769G>A (p.Arg2590Gln)

Gene: DMXL2 (Dmx like 2; minus strand). Cytogenetic location: 15q21.2.
Variant type: single nucleotide variant.
Coding change: c.7769G>A on transcript NM_001378457.1 (MANE Select); coding-DNA position 7769, G replaced by A.
Protein change: p.Arg2590Gln; replaces arginine 2590 with glutamine.
Molecular consequence: missense variant. On other transcripts: non-coding transcript variant (1), intron variant (2).
Genome position (GRCh38, 1-based): chr15:51,464,714, C>T on the plus strand (G>A on the coding strand, the complement: DMXL2 is on the minus strand). VCF-style: chr15-51464714-C-T. GRCh37 (hg19) VCF-style: chr15-51756911-C-T.
Other names: c.7769G>A, p.Arg2590Gln (NM_001174116.3, NM_001378461.1); c.5858G>A, p.Arg1953Gln (NM_001174117.3); c.7766G>A, p.Arg2589Gln (NM_001378458.1, NM_001378462.1, NM_015263.5); c.5747G>A, p.Arg1916Gln (NM_001378460.1); c.7526G>A, p.Arg2509Gln (NM_001378464.1); c.7521-1218G>A (NM_001378459.1); c.7606+852G>A (NM_001378463.1); c.7769G>A (NM_001174116.1); short protein forms R1916Q, R2509Q, R2589Q, R2590Q, R1953Q.
Identifiers: ClinVar variation 1508663 (VCV001508663.4), dbSNP rs910460840, ClinGen allele CA270586080.

ClinVar aggregate classification (germline): Uncertain significance. Review status: criteria provided, multiple submitters, no conflicts (2 of 4 stars). 2 submissions from 2 submitters: Uncertain significance (2). Last evaluated 2024-12-13.

Conditions:
DMXL2-related disorder. Also called: DMXL2-related condition.

Allele frequency attached by ClinVar (database versions not stated): gnomAD exomes below 0.00001 and 0.00001; gnomAD 0.00003 and 0.00004; TOPMed 0.00003.
gnomAD v4.1: 10 of 1,613,932 alleles (0.00062%); highest among the groups gnomAD compares: African/African-American, 0.0067%; no homozygotes.

Submissions (2):

PreventionGenetics, part of Exact Sciences
Classification: Uncertain significance for DMXL2-related condition. Last evaluated: 2024-12-13. Review status: criteria provided, single submitter. Criteria: ACMG Guidelines, 2015. Collection method: clinical testing. Allele origin: germline.
Comment: The DMXL2 c.7769G>A variant is predicted to result in the amino acid substitution p.Arg2590Gln. To our knowledge, this variant has not been reported in the literature. This variant is reported in 0.0040% of alleles in individuals of African descent in gnomAD. At this time, the clinical significance of this variant is uncertain due to the absence of conclusive functional and genetic evidence.

Labcorp Genetics (formerly Invitae), Labcorp
Classification: Uncertain significance. Last evaluated: 2021-09-03. Review status: criteria provided, single submitter. Criteria: Invitae Variant Classification Sherloc (09022015). Collection method: clinical testing. Allele origin: germline.
Comment: This sequence change replaces arginine with glutamine at codon 2590 of the DMXL2 protein (p.Arg2590Gln). The arginine residue is moderately conserved and there is a small physicochemical difference between arginine and glutamine. This variant is not present in population databases (ExAC no frequency). This variant has not been reported in the literature in individuals affected with DMXL2-related conditions. Algorithms developed to predict the effect of missense changes on protein structure and function are either unavailable or do not agree on the potential impact of this missense change (SIFT: "Tolerated"; PolyPhen-2: "Probably Damaging"; Align-GVGD: "Class C0"). In summary, the available evidence is currently insufficient to determine the role of this variant in disease. Therefore, it has been classified as a Variant of Uncertain Significance.